The following is an entry in ClinVar:

ClinVar aggregate classification (germline): Uncertain significance. Review status: criteria provided, multiple submitters, no conflicts (2 of 4 stars). 3 submissions from 3 submitters: Uncertain significance (3). Last evaluated 2026-06-23.

Conditions:
BBIP1-related disorder. Also called: BBIP1-related condition.

Allele frequency attached by ClinVar (database versions not stated): gnomAD 0.00002 and 0.00003; TOPMed 0.00003.
gnomAD v4.1: 21 of 1,535,856 alleles (0.0014%); highest among the groups gnomAD compares: African/African-American, 0.019%; no homozygotes.

Submissions (3):

PreventionGenetics, part of Exact Sciences
Classification: Uncertain significance for BBIP1-related condition. Last evaluated: 2026-06-23. Review status: criteria provided, single submitter. Criteria: ACMG Guidelines, 2015. Collection method: clinical testing. Allele origin: germline.
Comment: The BBIP1 c.26C>T variant is predicted to result in the amino acid substitution p.Pro9Leu. To our knowledge, this variant has not been reported in the literature. This variant is reported in 0.0066% of alleles in individuals of African descent in gnomAD. At this time, the clinical significance of this variant is uncertain due to the absence of conclusive functional and genetic evidence.

Labcorp Genetics (formerly Invitae), Labcorp
Classification: Uncertain significance. Last evaluated: 2025-10-14. Review status: criteria provided, single submitter. Criteria: Invitae Variant Classification Sherloc (09022015). Collection method: clinical testing. Allele origin: germline.
Comment: This sequence change replaces proline, which is neutral and non-polar, with leucine, which is neutral and non-polar, at codon 9 of the BBIP1 protein (p.Pro9Leu). This variant is present in population databases (rs371855596, gnomAD 0.007%). This variant has not been reported in the literature in individuals affected with BBIP1-related conditions. ClinVar contains an entry for this variant (Variation ID: 1360445). An algorithm developed to predict the effect of missense changes on protein structure and function (PolyPhen-2) suggests that this variant is likely to be disruptive. In summary, the available evidence is currently insufficient to determine the role of this variant in disease. Therefore, it has been classified as a Variant of Uncertain Significance.

Breakthrough Genomics
Classification: Uncertain significance. Review status: criteria provided, single submitter. Criteria: ACMG Guidelines, 2015. Collection method: not provided. Allele origin: germline. Inheritance: Autosomal recessive inheritance. Affected: yes.

NM_001195305.3(BBIP1):c.26C>T (p.Pro9Leu)

Gene: BBIP1 (BBSome interacting protein 1; minus strand). Cytogenetic location: 10q25.2.
Variant type: single nucleotide variant.
Coding change: c.26C>T on transcript NM_001195305.3 (MANE Select); coding-DNA position 26, C replaced by T.
Protein change: p.Pro9Leu; replaces proline 9 with leucine.
Molecular consequence: missense variant. On other transcripts: intron variant (1).
Genome position (GRCh38, 1-based): chr10:110,918,132, G>A on the plus strand (C>T on the coding strand, the complement: BBIP1 is on the minus strand). VCF-style: chr10-110918132-G-A. GRCh37 (hg19) VCF-style: chr10-112677890-G-A.
Other names: c.26C>T, p.Pro9Leu (NM_001195304.2, NM_001195306.2, NM_001195307.2); c.-30+989C>T (NM_001243783.3); c.26C>T (NM_001195306.1); short protein forms P9L.
Identifiers: ClinVar variation 1360445 (VCV001360445.11), dbSNP rs371855596, ClinGen allele CA213257677.